The following is an entry in ClinVar:

NM_173660.5(DOK7):c.983A>C (p.Gln328Pro)

Gene: DOK7 (docking protein 7; plus strand). Cytogenetic location: 4p16.3.
Variant type: single nucleotide variant.
Coding change: c.983A>C on transcript NM_173660.5 (MANE Select); coding-DNA position 983, A replaced by C.
Protein change: p.Gln328Pro; replaces glutamine 328 with proline.
Molecular consequence: missense variant. On other transcripts: 3 prime UTR variant (1).
Genome position (GRCh38, 1-based): chr4:3,492,969, A>C. VCF-style: chr4-3492969-A-C. GRCh37 (hg19) VCF-style: chr4-3494696-A-C.
Other names: c.*204A>C (NM_001164673.2); c.53A>C, p.Gln18Pro (NM_001256896.2); c.983A>C, p.Gln328Pro (NM_001301071.2); c.551A>C, p.Gln184Pro (NM_001363811.2); short protein forms Q184P, Q18P, Q328P.
Identifiers: ClinVar variation 1050646 (VCV001050646.5), dbSNP rs752168445, ClinGen allele CA356116594.

ClinVar aggregate classification (germline): Uncertain significance. Review status: criteria provided, multiple submitters, no conflicts (2 of 4 stars). 3 submissions from 3 submitters: Uncertain significance (2). 1 of the submissions does not count toward it. Last evaluated 2024-05-20.

Conditions:
Congenital myasthenic syndrome 10. Also called: Myasthenia, limb-girdle, familial. Identifiers: Orphanet 590, MedGen C1850792, MONDO:0009690, OMIM 254300.
Fetal akinesia deformation sequence 1 (FADS1). Also called: Fetal akinesia sequence; Pena-Shokeir syndrome type I. Identifiers: Orphanet 994, MedGen C1276035, MONDO:0100101, OMIM 208150, HP:0001989.

Allele frequency attached by ClinVar (database versions not stated): gnomAD 0.00003.
gnomAD v4.1: 34 of 1,553,406 alleles (0.0022%); highest among the groups gnomAD compares: Non-Finnish European, 0.0029%; no homozygotes.

Submissions (3):

Labcorp Genetics (formerly Invitae), Labcorp
Classification: Uncertain significance for Congenital myasthenic syndrome 10; Fetal akinesia deformation sequence 1. Last evaluated: 2024-05-20. Review status: criteria provided, single submitter. Criteria: Invitae Variant Classification Sherloc (09022015). Collection method: clinical testing. Allele origin: germline.
Comment: This sequence change replaces glutamine, which is neutral and polar, with proline, which is neutral and non-polar, at codon 328 of the DOK7 protein (p.Gln328Pro). This variant is present in population databases (no rsID available, gnomAD 0.004%). This variant has not been reported in the literature in individuals affected with DOK7-related conditions. ClinVar contains an entry for this variant (Variation ID: 1050646). An algorithm developed to predict the effect of missense changes on protein structure and function (PolyPhen-2) suggests that this variant is likely to be disruptive. In summary, the available evidence is currently insufficient to determine the role of this variant in disease. Therefore, it has been classified as a Variant of Uncertain Significance.

Blueprint Genetics
Classification: Uncertain significance. Last evaluated: 2018-08-16. Review status: criteria provided, single submitter. Criteria: ACMG Guidelines, 2015. Collection method: clinical testing. Allele origin: germline.

Department of Pathology and Laboratory Medicine, Sinai Health System
Classification: Uncertain significance. Review status: no assertion criteria provided. Collection method: clinical testing. Allele origin: unknown. Affected: yes. Study: The Canadian Open Genetics Repository (COGR). Not counted in ClinVar's aggregate classification.
Comment: The DOK7 p.Gln18Pro variant was not identified in the literature nor was it identified in the ClinVar, Cosmic, MutDB, and LOVD 3.0 databases. The variant was identified in dbSNP (ID: rs752168445) and it was also identified in control databases in 1 of 184640 chromosomes at a frequency of 0.000005 (Genome Aggregation Database Feb 27, 2017). The variant was observed in the following populations: European (non-Finnish) in 1 of 76350 chromosomes (freq: 0.000013), but was not observed in the African, Latino, Ashkenazi Jewish, East Asian, European (Finnish), Other, and South Asian populations. The variant was not identified in the following control databases: the 1000 Genomes Project, the NHLBI GO Exome Sequencing Project or the Exome Aggregation Consortium (August 8th 2016). The c.53A>C variant occurs outside the splicing consensus sequence. The p.Gln18 residue is highly conserved in mammals and other organisms. Four of five computational analyses (PolyPhen-2, SIFT, BLOSUM, and MutationTaster) suggest that the variant may impact the protein. However this information is not predictive enough to assume pathogenicity. In summary, based on the above information the clinical significance of this variant cannot be determined with certainty at this time. This variant is classified as a variant of uncertain significance.